The following is an entry in ClinVar:

ClinVar aggregate classification (germline): Likely pathogenic. Review status: criteria provided, multiple submitters, no conflicts (2 of 4 stars). 3 submissions from 3 submitters: Likely pathogenic (2). 1 of the submissions does not count toward it. Last evaluated 2024-10-22.

Conditions:
Methylmalonic aciduria due to complete methylmalonyl-CoA mutase deficiency.
Methylmalonic aciduria due to methylmalonyl-CoA mutase deficiency (MAMM). Also called: Methylmalonic aciduria, mut type. Identifiers: Orphanet 27, MedGen C1855114, MONDO:0009612, OMIM 251000.

Allele frequency attached by ClinVar (database versions not stated): gnomAD exomes below 0.00001; ExAC 0.00001.
gnomAD v4.1: 4 of 1,608,190 alleles (0.00025%); highest among the groups gnomAD compares: Non-Finnish European, 0.00034%; no homozygotes.

Submissions (3):

Natera, Inc.
Classification: Likely pathogenic for Methylmalonic aciduria due to complete methylmalonyl-CoA mutase deficiency. Last evaluated: 2024-10-22. Review status: criteria provided, single submitter. Criteria: Natera Variant Classification Schema (03/2026). Collection method: clinical testing. Allele origin: germline.
Comment: The c.753+3A>G variant in MMUT is an intronic variant located outside the canonical splice sites. This variant is rare in the general population with a frequency below the threshold expected for the associated phenotype(s). This variant has been observed in one or more individuals affected with the associated recessive disease, as either homozygous or compound heterozygous with a second variant (PMID: 27233228, 34668645). Computational prediction algorithms indicate this variant is likely to affect gene or protein function. Given the available evidence, this variant is classified as Likely Pathogenic.

Juno Genomics, Hangzhou Juno Genomics, Inc
Classification: Likely pathogenic for Methylmalonic aciduria due to methylmalonyl-CoA mutase deficiency. Review status: criteria provided, single submitter. Criteria: ACMG Guidelines, 2015. Collection method: clinical testing. Allele origin: germline. Affected: yes.
Comment: Absent from controls (or at extremely low frequency if recessive) in Genome Aggregation Database, Exome Sequencing Project, 1000 Genomes Project, or Exome Aggregation Consortium.;For recessive disorders, detected in trans with a pathogenic variant.;Patient's phenotype or family history is highly specific for a disease with a single genetic etiology.;Multiple lines of computational evidence support a deleterious effect on the gene or gene product (conservation, evolutionary, splicing impact, etc).

Neonatal Disease Screening Center, Medical Genetics Center, Huaihua City Maternal and Child Health Care Hospital
Classification: Likely pathogenic for Methylmalonic aciduria due to methylmalonyl-CoA mutase deficiency. Review status: no assertion criteria provided. Criteria: ACMG Guidelines, 2015. Collection method: clinical testing. Allele origin: germline. Affected: yes. Observed: 1 variant allele. Not counted in ClinVar's aggregate classification.
Comment: PM2_P+PM3_S+PP3+PP4

Literature cited by the submitters: PubMed 27233228 (cited by Natera, Inc.); PubMed 34668645 (cited by Natera, Inc.).

NM_000255.4(MMUT):c.753+3A>G

Gene: MMUT (methylmalonyl-CoA mutase; minus strand). Cytogenetic location: 6p12.3.
Variant type: single nucleotide variant.
Coding change: c.753+3A>G on transcript NM_000255.4 (MANE Select); 3 bases into the intron after coding-DNA position 753, A replaced by G.
Molecular consequence: intron variant.
Genome position (GRCh38, 1-based): chr6:49,457,688, T>C on the plus strand (A>G on the coding strand, the complement: MMUT is on the minus strand). VCF-style: chr6-49457688-T-C. GRCh37 (hg19) VCF-style: chr6-49425401-T-C.
Other names: c.753+3A>G (NM_000255.3).
Identifiers: ClinVar variation 3061795 (VCV003061795.5), dbSNP rs776400008, ClinGen allele CA3847056.